The following is an entry in ClinVar:

NM_177438.3(DICER1):c.1813A>C (p.Met605Leu)

Gene: DICER1 (dicer 1, ribonuclease III; minus strand). Cytogenetic location: 14q32.13.
Variant type: single nucleotide variant.
Coding change: c.1813A>C on transcript NM_177438.3 (MANE Select); coding-DNA position 1813, A replaced by C.
Protein change: p.Met605Leu; replaces methionine 605 with leucine.
Molecular consequence: missense variant. On other transcripts: non-coding transcript variant (6).
Genome position (GRCh38, 1-based): chr14:95,115,761, T>G on the plus strand (A>C on the coding strand, the complement: DICER1 is on the minus strand). VCF-style: chr14-95115761-T-G. GRCh37 (hg19) VCF-style: chr14-95582098-T-G.
Other names: c.1813A>C, p.Met605Leu (NM_001195573.1, NM_001271282.3, NM_001291628.2 and 12 more transcripts); c.1531A>C, p.Met511Leu (NM_001395686.1); c.1408A>C, p.Met470Leu (NM_001395687.1, NM_001395688.1, NM_001395689.1 and 3 more transcripts); c.1246A>C, p.Met416Leu (NM_001395691.1); c.130A>C, p.Met44Leu (NM_001395697.1); short protein forms M416L, M511L, M470L, M605L, M44L.
Identifiers: ClinVar variation 5035239 (VCV005035239.1).
Genomic context (GRCh38, chr14:95,115,761, plus strand): 5'-CTCGTGGACCACCATCGTCAGGCCTCAACACATATGGTGGGAAAACGTCATCATCATCCA[T>G]GACAGGATCAATGTCAGTCTCACCAGTATCAACCGACTTGGAACACTTGTTTCTCAAGAT-3'
Protein context (NP_803187.1, residues 595-615): DTGETDIDPV[Met605Leu]DDDDVFPPYV

ClinVar aggregate classification (germline): Uncertain significance (1 of 4 stars; one submission).

Conditions:
Hereditary cancer-predisposing syndrome. Also called: Hereditary Cancer Syndrome; Neoplastic Syndromes, Hereditary; Tumor predisposition; Hereditary neoplastic syndrome. Identifiers: Orphanet 140162, MedGen C0027672, MeSH D009386, MONDO:0015356.

Submission:

Ambry Genetics
Classification: Uncertain significance for Hereditary cancer-predisposing syndrome. Last evaluated: 2026-06-30. Review status: criteria provided, single submitter. Criteria: Ambry Variant Classification Scheme 2023. Collection method: clinical testing. Allele origin: germline.
Comment: The p.M605L variant (also known as c.1813A>C), located in coding exon 10 of the DICER1 gene, results from an A to C substitution at nucleotide position 1813. The methionine at codon 605 is replaced by leucine, an amino acid with highly similar properties. This amino acid position is conserved. In addition, this alteration is predicted to be tolerated by in silico analysis. Based on the available evidence, the clinical significance of this variant remains unclear.